The following is an entry in ClinVar:

ClinVar aggregate classification (germline): Uncertain significance (1 of 4 stars; one submission).

gnomAD v4.1: 8 of 1,608,084 alleles (0.0005%); highest among the groups gnomAD compares: Non-Finnish European, 0.00068%; no homozygotes.

Submission:

Labcorp Genetics (formerly Invitae), Labcorp
Classification: Uncertain significance. Last evaluated: 2024-07-12. Review status: criteria provided, single submitter. Criteria: Invitae Variant Classification Sherloc (09022015). Collection method: clinical testing. Allele origin: germline.
Comment: This sequence change replaces arginine, which is basic and polar, with leucine, which is neutral and non-polar, at codon 191 of the KCNV2 protein (p.Arg191Leu). The frequency data for this variant in the population databases is considered unreliable, as metrics indicate poor data quality at this position in the gnomAD database. This variant has not been reported in the literature in individuals affected with KCNV2-related conditions. ClinVar contains an entry for this variant (Variation ID: 1414483). Advanced modeling of protein sequence and biophysical properties (such as structural, functional, and spatial information, amino acid conservation, physicochemical variation, residue mobility, and thermodynamic stability) performed at Invitae indicates that this missense variant is not expected to disrupt KCNV2 protein function with a negative predictive value of 80%. In summary, the available evidence is currently insufficient to determine the role of this variant in disease. Therefore, it has been classified as a Variant of Uncertain Significance.

NM_133497.4(KCNV2):c.572G>T (p.Arg191Leu)

Gene: KCNV2 (potassium voltage-gated channel modifier subfamily V member 2; plus strand). Cytogenetic location: 9p24.2.
Variant type: single nucleotide variant.
Coding change: c.572G>T on transcript NM_133497.4 (MANE Select); coding-DNA position 572, G replaced by T.
Protein change: p.Arg191Leu; replaces arginine 191 with leucine.
Molecular consequence: missense variant.
Genome position (GRCh38, 1-based): chr9:2,718,311, G>T. VCF-style: chr9-2718311-G-T. GRCh37 (hg19) VCF-style: chr9-2718311-G-T.
Other names: short protein forms R191L.
Identifiers: ClinVar variation 1414483 (VCV001414483.6), dbSNP rs1164395600, ClinGen allele CA372798471.